The following is an entry in ClinVar:

ClinVar aggregate classification (germline): Pathogenic (1 of 4 stars; one submission).

Conditions:
Neurofibromatosis, type 1 (NF1). Also called: Peripheral type neurofibromatosis; Neurofibromatosis, type I; VON RECKLINGHAUSEN DISEASE; NEUROFIBROMATOSIS, TYPE I, SOMATIC. Identifiers: Orphanet 636, MedGen C0027831, MONDO:0018975, OMIM 162200. Disease mechanism: loss of function.

Submission:

Labcorp Genetics (formerly Invitae), Labcorp
Classification: Pathogenic for Neurofibromatosis, type 1. Last evaluated: 2021-04-19. Review status: criteria provided, single submitter. Criteria: Invitae Variant Classification Sherloc (09022015). Collection method: clinical testing. Allele origin: germline.
Comment: This sequence change creates a premature translational stop signal (p.Thr1808Profs*34) in the NF1 gene. It is expected to result in an absent or disrupted protein product. Loss-of-function variants in NF1 are known to be pathogenic (PMID: 10712197, 23913538). This variant is not present in population databases (ExAC no frequency). This variant has not been reported in the literature in individuals with NF1-related conditions. For these reasons, this variant has been classified as Pathogenic.

Literature cited by the submitters: PubMed 10712197; PubMed 23913538.

NM_001042492.3(NF1):c.5485del (p.Thr1829fs)

Gene: NF1 (neurofibromin 1; plus strand). Cytogenetic location: 17q11.2.
Variant type: Deletion.
Coding change: c.5485del on transcript NM_001042492.3 (MANE Select); coding-DNA position 5485, one base deleted (A; older notation c.5485delA).
Protein change: p.Thr1829fs; shifts the reading frame from threonine 1829.
Molecular consequence: frameshift variant.
Genome position (GRCh38, 1-based): chr17:31,327,715, A deleted. VCF-style (leftmost placement, unchanged base first): chr17-31327714-GA-G. GRCh37 (hg19) VCF-style: chr17-29654732-GA-G.
Other names: c.5422delA, p.Thr1808Profs (NM_000267.4); short protein forms T1829fs, T1808fs.
Identifiers: ClinVar variation 1409189 (VCV001409189.6), dbSNP rs2151541526, ClinGen allele CA2573153406.